The following is an entry in ClinVar:

NM_007294.4(BRCA1):c.5529_5530delinsCA (p.Leu1844Ile)

Gene: BRCA1 (BRCA1 DNA repair associated; minus strand). Cytogenetic location: 17q21.31.
Variant type: Indel.
Coding change: c.5529_5530delinsCA on transcript NM_007294.4 (MANE Select); coding-DNA positions 5529 to 5530, AC replaced by CA.
Protein change: p.Leu1844Ile; replaces leucine 1844 with isoleucine.
Molecular consequence: missense variant. On other transcripts: 3 prime UTR variant (1), non-coding transcript variant (1).
Genome position (GRCh38, 1-based): chr17:43,045,740-43,045,741, GT replaced by TG on the plus strand (AC replaced by CA on the coding strand, the reverse complement: BRCA1 is on the minus strand). VCF-style: chr17-43045740-GT-TG. GRCh37 (hg19) VCF-style: chr17-41197757-GT-TG.
Other names: c.5403_5404delACinsCA, p.Leu1802Ile (NM_001407678.1, NM_001407679.1, NM_001407680.1 and 8 more transcripts); c.5400_5401delACinsCA, p.Leu1801Ile (NM_001407681.1, NM_001407682.1, NM_001407685.1 and 6 more transcripts); c.5397_5398delACinsCA, p.Leu1800Ile (NM_001407690.1, NM_001407691.1); c.5388_5389delACinsCA, p.Leu1797Ile (NM_001407692.1, NM_001407694.1, NM_001407695.1 and 11 more transcripts); c.5316_5317delACinsCA, p.Leu1773Ile (NM_001407571.1, NM_001407894.1, NM_001407895.1 and 12 more transcripts); c.5595_5596delACinsCA, p.Leu1866Ile (NM_001407581.1, NM_001407582.1); c.5592_5593delACinsCA, p.Leu1865Ile (NM_001407583.1, NM_001407585.1, NM_001407587.1); c.5589_5590delACinsCA, p.Leu1864Ile (NM_001407590.1, NM_001407591.1); and 77 more; short protein forms L1865I, L1797I, L1844I, L740I, L1717I, L1755I, L1776I, L1795I.
Identifiers: ClinVar variation 438942 (VCV000438942.19), dbSNP rs1555574389, ClinGen allele CA645509524.
Genomic context (GRCh38, chr17:43,045,740, plus strand): 5'-AGTAGTGGCTGTGGGGGATCTGGGGTATCAGGTAGGTGTCCAGCTCCTGGCACTGGTAGA[GT>TG]GCTACACTGTCCAACACCCACTCTCGGGTCACCACAGGTGCCTCACACATCTGCCCAATT-3'
Protein context (NP_009225.1, residues 1834-1854): TREWVLDSVA[Leu1844Ile]YQCQELDTYL

ClinVar aggregate classification (germline): Conflicting classifications of pathogenicity. Review status: criteria provided, conflicting classifications (1 of 4 stars). 5 submissions from 5 submitters: Uncertain significance (4); Likely benign (1). Last evaluated 2024-08-27.

Conditions:
Hereditary breast ovarian cancer syndrome. Also called: Breast and ovarian cancer; Hereditary breast and ovarian cancer; BRCA1- and BRCA2-Associated Hereditary Breast and Ovarian Cancer; Hereditary breast and/or ovarian cancer syndrome; Hereditary breast and ovarian cancer syndrome; Hereditary breast and ovarian cancer syndrome (HBOC). Identifiers: Orphanet 145, MedGen C0677776, MeSH D061325, MONDO:0003582. Disease mechanism: loss of function.
Hereditary cancer-predisposing syndrome. Also called: Hereditary neoplastic syndrome; Hereditary Cancer Syndrome; Tumor predisposition; Neoplastic Syndromes, Hereditary. Identifiers: Orphanet 140162, MedGen C0027672, MeSH D009386, MONDO:0015356.

Submissions (5):

Labcorp Genetics (formerly Invitae), Labcorp
Classification: Uncertain significance for Hereditary breast ovarian cancer syndrome. Last evaluated: 2024-08-27. Review status: criteria provided, single submitter. Criteria: Invitae Variant Classification Sherloc (09022015). Collection method: clinical testing. Allele origin: germline.
Comment: This sequence change replaces leucine, which is neutral and non-polar, with isoleucine, which is neutral and non-polar, at codon 1844 of the BRCA1 protein (p.Leu1844Ile). Information on the frequency of this variant in the gnomAD database is not available, as this variant may be reported differently in the database. This variant has not been reported in the literature in individuals affected with BRCA1-related conditions. ClinVar contains an entry for this variant (Variation ID: 438942). Algorithms developed to predict the effect of variants on gene product structure and function are not available or were not evaluated for this variant. Experimental studies have shown that this missense change does not substantially affect BRCA1 function (PMID: 30209399). In summary, the available evidence is currently insufficient to determine the role of this variant in disease. Therefore, it has been classified as a Variant of Uncertain Significance.

Ambry Genetics
Classification: Likely benign for Hereditary cancer-predisposing syndrome. Last evaluated: 2022-07-15. Review status: criteria provided, single submitter. Criteria: Ambry Variant Classification Scheme 2023. Collection method: clinical testing. Allele origin: germline.

Women's Health and Genetics/Laboratory Corporation of America, LabCorp
Classification: Uncertain significance. Last evaluated: 2022-01-27. Review status: criteria provided, single submitter. Criteria: LabCorp Variant Classification Summary - May 2015. Collection method: clinical testing. Allele origin: germline.
Comment: Variant summary: BRCA1 c.5529_5530delinsCA (p.Leu1844Ile) results in a conservative amino acid change located in the BRCT domain of the encoded protein sequence. Four of five in-silico tools predict a benign effect of the variant on protein function. The variant was absent in 31394 control chromosomes. The available data on variant occurrences in the general population are insufficient to allow any conclusion about variant significance. To our knowledge, no occurrence of c.5529_5530delinsCA in individuals affected with Hereditary Breast And Ovarian Cancer Syndrome has been reported. One functional study reported experimental evidence evaluating an impact on protein function and showed a different nucleotide change (c.5530C>A) resulting in the same amino acid change results in no damaging effect of this variant on homology directed repair (HDR) activity (e.g. Findlay_2018). Three clinical diagnostic laboratories have submitted clinical-significance assessments for this variant to ClinVar after 2014 without evidence for independent evaluation. All laboratories classified the variant as uncertain significance. Based on the evidence outlined above, the variant was classified as uncertain significance.

Color Diagnostics, LLC DBA Color Health
Classification: Uncertain significance for Hereditary cancer-predisposing syndrome. Last evaluated: 2019-04-23. Review status: criteria provided, single submitter. Criteria: ACMG Guidelines, 2015. Collection method: clinical testing. Allele origin: germline.

Quest Diagnostics Nichols Institute San Juan Capistrano
Classification: Uncertain significance. Last evaluated: 2017-03-25. Review status: criteria provided, single submitter. Criteria: Quest Diagnostics criteria. Collection method: clinical testing. Allele origin: germline.

Literature cited by the submitters: PubMed 30209399 (cited by 3 submitters); PubMed 26689913 (cited by Women's Health and Genetics/Laboratory Corporation of America, LabCorp).